The following is an entry in ClinVar:

ClinVar aggregate classification (germline): Pathogenic/Likely pathogenic. Review status: criteria provided, multiple submitters, no conflicts (2 of 4 stars). 2 submissions from 2 submitters: Pathogenic (1); Likely pathogenic (1). Last evaluated 2025-01-13.

Conditions:
3-methylglutaconic aciduria, type VIIB (MGCA7B). Also called: CLPB Deficiency; 3-methylglutaconic aciduria with cataracts, neurologic involvement and neutropenia; 3-methylglutaconic aciduria, type VII, with cataracts, neurologic involvement and neutropenia. Identifiers: Orphanet 445038, MedGen C5676893, MONDO:0014561, OMIM 616271.

Allele frequency attached by ClinVar (database versions not stated): gnomAD exomes below 0.00001; TOPMed below 0.00001.
gnomAD v4.1: 1 of 1,610,626 alleles (0.000062%); highest among the groups gnomAD compares: South Asian, 0.0011%; no homozygotes.

Submissions (2):

GeneDx
Classification: Pathogenic. Last evaluated: 2025-01-13. Review status: criteria provided, single submitter. Criteria: GeneDx Variant Classification Process June 2021. Collection method: clinical testing. Allele origin: germline. Affected: yes.
Comment: Canonical splice site variant predicted to result in a null allele in a gene for which loss of function is a known mechanism of disease; Not observed at significant frequency in large population cohorts (gnomAD); Has not been previously published as pathogenic or benign to our knowledge

Labcorp Genetics (formerly Invitae), Labcorp
Classification: Likely pathogenic for 3-methylglutaconic aciduria, type VIIB. Last evaluated: 2023-05-30. Review status: criteria provided, single submitter. Criteria: Invitae Variant Classification Sherloc (09022015). Collection method: clinical testing. Allele origin: germline.
Comment: This sequence change affects a donor splice site in intron 7 of the CLPB gene. It is expected to disrupt RNA splicing. Variants that disrupt the donor or acceptor splice site typically lead to a loss of protein function (PMID: 16199547), and loss-of-function variants in CLPB are known to be pathogenic (PMID: 25597510, 28687938). This variant is not present in population databases (gnomAD no frequency). In summary, the currently available evidence indicates that the variant is pathogenic, but additional data are needed to prove that conclusively. Therefore, this variant has been classified as Likely Pathogenic. Algorithms developed to predict the effect of sequence changes on RNA splicing suggest that this variant may disrupt the consensus splice site. ClinVar contains an entry for this variant (Variation ID: 449301). This variant has not been reported in the literature in individuals affected with CLPB-related conditions.

Literature cited by the submitters: PubMed 16199547 (cited by Labcorp Genetics (formerly Invitae), Labcorp); PubMed 25597510 (cited by Labcorp Genetics (formerly Invitae), Labcorp); PubMed 28687938 (cited by Labcorp Genetics (formerly Invitae), Labcorp).

NM_001258392.3(CLPB):c.873+1G>A

Gene: CLPB (ClpB family mitochondrial disaggregase; minus strand). Cytogenetic location: 11q13.4.
Variant type: single nucleotide variant.
Coding change: c.873+1G>A on transcript NM_001258392.3 (MANE Select); the canonical splice donor site of the intron after coding-DNA position 873, G replaced by A.
Molecular consequence: splice donor variant.
Genome position (GRCh38, 1-based): chr11:72,329,706, C>T on the plus strand (G>A on the coding strand, the complement: CLPB is on the minus strand). VCF-style: chr11-72329706-C-T. GRCh37 (hg19) VCF-style: chr11-72040750-C-T.
Other names: c.786+1G>A (NM_001258393.3); c.963+1G>A (NM_030813.6); c.828+1G>A (NM_001258394.3).
Identifiers: ClinVar variation 449301 (VCV000449301.6), dbSNP rs974377052, ClinGen allele CA224404092.